The following is an entry in ClinVar:

NM_170606.3(KMT2C):c.2537C>T (p.Ala846Val)

Gene: KMT2C (lysine methyltransferase 2C; minus strand). Cytogenetic location: 7q36.1.
Variant type: single nucleotide variant.
Coding change: c.2537C>T on transcript NM_170606.3 (MANE Select); coding-DNA position 2537, C replaced by T.
Protein change: p.Ala846Val; replaces alanine 846 with valine.
Molecular consequence: missense variant.
Genome position (GRCh38, 1-based): chr7:152,238,822, G>A on the plus strand (C>T on the coding strand, the complement: KMT2C is on the minus strand). VCF-style: chr7-152238822-G-A. GRCh37 (hg19) VCF-style: chr7-151935907-G-A.
Other names: short protein forms A846V.
Identifiers: ClinVar variation 715879 (VCV000715879.10), dbSNP rs574432367, ClinGen allele CA4581135.

ClinVar aggregate classification (germline): Benign/Likely benign. Review status: criteria provided, multiple submitters, no conflicts (2 of 4 stars). 3 submissions from 3 submitters: Benign (1); Likely benign (2). Last evaluated 2026-09-01.

Allele frequency attached by ClinVar (database versions not stated): gnomAD 0.00044 and 0.00048; ExAC 0.00148; gnomAD exomes 0.00156; 1000 Genomes Project 0.00200; 1000 Genomes Project 30x 0.00250.
gnomAD v4.1: 546 of 1,600,352 alleles (0.034%); highest among the groups gnomAD compares: Admixed American, 0.86%; 5 homozygotes.

Submissions (3):

CeGaT Center for Human Genetics Tuebingen
Classification: Likely benign. Last evaluated: 2026-09-01. Review status: criteria provided, single submitter. Criteria: CeGaT Center For Human Genetics Tuebingen Variant Classification Criteria Version 2. Collection method: clinical testing. Allele origin: germline. Affected: yes. Observed: 8 variant alleles.
Comment: KMT2C: BS1

Blueprint Genetics
Classification: Likely benign. Last evaluated: 2024-09-23. Review status: criteria provided, single submitter. Criteria: ACMG Guidelines, 2015. Collection method: clinical testing. Allele origin: germline.

Labcorp Genetics (formerly Invitae), Labcorp
Classification: Benign. Last evaluated: 2019-12-31. Review status: criteria provided, single submitter. Criteria: Invitae Variant Classification Sherloc (09022015). Collection method: clinical testing. Allele origin: germline.